The following is an entry in ClinVar:

ClinVar aggregate classification (germline): Uncertain significance (1 of 4 stars; one submission).

Allele frequency attached by ClinVar (database versions not stated): ExAC 0.00001; gnomAD 0.00003; gnomAD exomes 0.00003 and 0.00013; TOPMed 0.00003.
gnomAD v4.1: 186 of 1,596,110 alleles (0.012%); highest among the groups gnomAD compares: Non-Finnish European, 0.016%; no homozygotes.

Submission:

Labcorp Genetics (formerly Invitae), Labcorp
Classification: Uncertain significance. Last evaluated: 2025-09-04. Review status: criteria provided, single submitter. Criteria: Invitae Variant Classification Sherloc (09022015). Collection method: clinical testing. Allele origin: germline.
Comment: This sequence change falls in intron 6 of the MS4A1 gene. It does not directly change the encoded amino acid sequence of the MS4A1 protein. It affects a nucleotide within the consensus splice site. The frequency data for this variant in the population databases is considered unreliable, as metrics indicate poor data quality at this position in the gnomAD database. This variant has not been reported in the literature in individuals affected with MS4A1-related conditions. ClinVar contains an entry for this variant (Variation ID: 1425555). Variants that disrupt the consensus splice site are a relatively common cause of aberrant splicing (PMID: 17576681, 9536098). Algorithms developed to predict the effect of sequence changes on RNA splicing suggest that this variant may disrupt the consensus splice site. In summary, the available evidence is currently insufficient to determine the role of this variant in disease. Therefore, it has been classified as a Variant of Uncertain Significance.

Literature cited by the submitters: PubMed 17576681; PubMed 9536098.

NM_152866.3(MS4A1):c.573+4A>G

Gene: MS4A1 (membrane spanning 4-domains A1; plus strand). Cytogenetic location: 11q12.2.
Variant type: single nucleotide variant.
Coding change: c.573+4A>G on transcript NM_152866.3 (MANE Select); 4 bases into the intron after coding-DNA position 573, A replaced by G.
Molecular consequence: intron variant.
Genome position (GRCh38, 1-based): chr11:60,466,161, A>G. VCF-style: chr11-60466161-A-G. GRCh37 (hg19) VCF-style: chr11-60233634-A-G.
Other names: c.573+4A>G (NM_152867.2, NM_021950.4).
Identifiers: ClinVar variation 1425555 (VCV001425555.6), dbSNP rs201826314, ClinGen allele CA6025016.
Genomic context (GRCh38, chr11:60,466,161, plus strand): 5'-TCTGAGAAAAACTCCCCATCTACCCAATACTGTTACAGCATACAATCTCTGTTCTTGGTA[A>G]GTGTTCTTGGTAAGTGTGAGATTGGATTTCTCTCCAGGGAGGAAGGATGACTTGTTTATT-3'